The following is an entry in ClinVar:

NM_001845.6(COL4A1):c.2279T>G (p.Ile760Ser)

Gene: COL4A1 (collagen type IV alpha 1 chain; minus strand). Cytogenetic location: 13q34.
Variant type: single nucleotide variant.
Coding change: c.2279T>G on transcript NM_001845.6 (MANE Select); coding-DNA position 2279, T replaced by G.
Protein change: p.Ile760Ser; replaces isoleucine 760 with serine.
Molecular consequence: missense variant.
Genome position (GRCh38, 1-based): chr13:110,179,336, A>C on the plus strand (T>G on the coding strand, the complement: COL4A1 is on the minus strand). VCF-style: chr13-110179336-A-C. GRCh37 (hg19) VCF-style: chr13-110831683-A-C.
Other names: short protein forms I760S.
Identifiers: ClinVar variation 2487640 (VCV002487640.5), dbSNP rs760434529, ClinGen allele CA388668650.
Genomic context (GRCh38, chr13:110,179,336, plus strand): 5'-ATCCCCTGAAGCCCAGGGGGTCCGATCGCTCCATGTTCTCCAGGAACGCCTGGTACCCCA[A>C]TGCTCCCCTTCTCCCCGGGTGTGCCAGGAATGCCGGGAAGACCTGGCAAACCTTTGAGTC-3'
Protein context (NP_001836.3, residues 750-770): IPGTPGEKGS[Ile760Ser]GVPGVPGEHG

ClinVar aggregate classification (germline): Uncertain significance. Review status: criteria provided, multiple submitters, no conflicts (2 of 4 stars). 2 submissions from 2 submitters: Uncertain significance (2). Last evaluated 2023-09-04.

Conditions:
Inborn genetic diseases. Identifiers: MedGen C0950123, MeSH D030342.

Submissions (2):

Labcorp Genetics (formerly Invitae), Labcorp
Classification: Uncertain significance. Last evaluated: 2023-09-04. Review status: criteria provided, single submitter. Criteria: Invitae Variant Classification Sherloc (09022015). Collection method: clinical testing. Allele origin: germline.
Comment: In summary, the available evidence is currently insufficient to determine the role of this variant in disease. Therefore, it has been classified as a Variant of Uncertain Significance. ClinVar contains an entry for this variant (Variation ID: 2487640). An algorithm developed to predict the effect of missense changes on protein structure and function (PolyPhen-2) suggests that this variant is likely to be tolerated. This variant has not been reported in the literature in individuals affected with COL4A1-related conditions. This variant is not present in population databases (gnomAD no frequency). This sequence change replaces isoleucine, which is neutral and non-polar, with serine, which is neutral and polar, at codon 760 of the COL4A1 protein (p.Ile760Ser).

Ambry Genetics
Classification: Uncertain significance for Inborn genetic diseases. Last evaluated: 2023-02-22. Review status: criteria provided, single submitter. Criteria: Ambry Variant Classification Scheme 2023. Collection method: clinical testing. Allele origin: germline.